The following is an entry in ClinVar:

NM_000069.3(CACNA1S):c.4996G>A (p.Ala1666Thr)

Gene: CACNA1S (calcium voltage-gated channel subunit alpha1 S; minus strand). Cytogenetic location: 1q32.1.
Variant type: single nucleotide variant.
Coding change: c.4996G>A on transcript NM_000069.3 (MANE Select); coding-DNA position 4996, G replaced by A.
Protein change: p.Ala1666Thr; replaces alanine 1666 with threonine.
Molecular consequence: missense variant.
Genome position (GRCh38, 1-based): chr1:201,043,333, C>T on the plus strand (G>A on the coding strand, the complement: CACNA1S is on the minus strand). VCF-style: chr1-201043333-C-T. GRCh37 (hg19) VCF-style: chr1-201012461-C-T.
Other names: short protein forms A1666T.
Identifiers: ClinVar variation 515194 (VCV000515194.13), dbSNP rs145340252, ClinGen allele CA083650.

ClinVar aggregate classification (germline): Conflicting classifications of pathogenicity. Review status: criteria provided, conflicting classifications (1 of 4 stars). 8 submissions from 5 submitters: Uncertain significance (2); Benign (1); Likely benign (5). Last evaluated 2024-08-19.

Conditions:
Hypokalemic periodic paralysis, type 1. Also called: HypoPP; Hypokalemic Periodic Paralysis Type 1 (AD). Identifiers: Orphanet 681, MedGen C3714580, MONDO:0042979, OMIM 170400.
Malignant hyperthermia, susceptibility to, 5 (MHS5). Also called: CACNA1S-Related Malignant Hyperthermia Susceptibility. Identifiers: Orphanet 423, MedGen C1866077, MONDO:0011163, OMIM 601887.
Congenital myopathy 18. Also called: Myopathy, congenital, due to dihydropyridine receptor defect; DIHYDROPYRIDINE RECEPTOR CONGENITAL MYOPATHY; DHPR CONGENITAL MYOPATHY. Identifiers: MedGen C5830283, MONDO:0859514, OMIM 620246.
Inborn genetic diseases. Identifiers: MedGen C0950123, MeSH D030342.
Thyrotoxic periodic paralysis, susceptibility to, 1 (TTPP1). Identifiers: Orphanet 79102, MedGen C2749982, MONDO:0008570, OMIM 188580.

Allele frequency attached by ClinVar (database versions not stated): ExAC 0.00004; gnomAD exomes 0.00006; TOPMed 0.00010; gnomAD 0.00011 and 0.00013; ESP Exome Variant Server 0.00023; 1000 Genomes Project 30x 0.00031; 1000 Genomes Project 0.00040.
gnomAD v4.1: 59 of 1,614,166 alleles (0.0037%); highest among the groups gnomAD compares: African/African-American, 0.039%; 1 homozygote.

Submissions (8):

Labcorp Genetics (formerly Invitae), Labcorp
Classification: Benign for Hypokalemic periodic paralysis, type 1; Malignant hyperthermia, susceptibility to, 5. Last evaluated: 2024-08-19. Review status: criteria provided, single submitter. Criteria: Invitae Variant Classification Sherloc (09022015). Collection method: clinical testing. Allele origin: germline.

Ambry Genetics
Classification: Uncertain significance for Inborn genetic diseases. Last evaluated: 2024-04-04. Review status: criteria provided, single submitter. Criteria: Ambry Variant Classification Scheme 2023. Collection method: clinical testing. Allele origin: germline.

Color Diagnostics, LLC DBA Color Health
Classification: Uncertain significance for Malignant hyperthermia, susceptibility to, 5. Last evaluated: 2023-11-22. Review status: criteria provided, single submitter. Criteria: ACMG Guidelines, 2015. Collection method: clinical testing. Allele origin: germline.
Comment: This missense variant replaces alanine with threonine at codon 1666 of the CACNA1S protein. Computational prediction suggests that this variant may not impact protein structure and function. To our knowledge, functional studies have not been reported for this variant. This variant has not been reported in individuals affected with CACNA1S-related disorders in the literature. This variant has been identified in 19/282776 chromosomes in the general population by the Genome Aggregation Database (gnomAD). The available evidence is insufficient to determine the role of this variant in disease conclusively. Therefore, this variant is classified as a Variant of Uncertain Significance.

Genome-Nilou Lab
Classification: Likely benign for Malignant hyperthermia, susceptibility to, 5. Last evaluated: 2023-04-11. Review status: criteria provided, single submitter. Criteria: ACMG Guidelines, 2015. Collection method: clinical testing. Allele origin: germline. Affected: no.

Genome-Nilou Lab
Classification: Likely benign for Thyrotoxic periodic paralysis, susceptibility to, 1. Last evaluated: 2023-04-11. Review status: criteria provided, single submitter. Criteria: ACMG Guidelines, 2015. Collection method: clinical testing. Allele origin: germline. Affected: no.

Genome-Nilou Lab
Classification: Likely benign for Congenital myopathy 18. Last evaluated: 2023-04-11. Review status: criteria provided, single submitter. Criteria: ACMG Guidelines, 2015. Collection method: clinical testing. Allele origin: germline. Affected: no.

Genome-Nilou Lab
Classification: Likely benign for Hypokalemic periodic paralysis, type 1. Last evaluated: 2023-04-11. Review status: criteria provided, single submitter. Criteria: ACMG Guidelines, 2015. Collection method: clinical testing. Allele origin: germline. Affected: no.

GeneDx
Classification: Likely benign. Last evaluated: 2018-01-30. Review status: criteria provided, single submitter. Criteria: GeneDx Variant Classification (06012015). Collection method: clinical testing. Allele origin: germline. Affected: yes.
Comment: This variant is considered likely benign or benign based on one or more of the following criteria: it is a conservative change, it occurs at a poorly conserved position in the protein, it is predicted to be benign by multiple in silico algorithms, and/or has population frequency not consistent with disease.